The following is an entry in ClinVar:

NM_000038.6(APC):c.5973G>C (p.Glu1991Asp)

Gene: APC (APC regulator of Wnt signaling pathway; plus strand). Cytogenetic location: 5q22.2.
Variant type: single nucleotide variant.
Coding change: c.5973G>C on transcript NM_000038.6 (MANE Select); coding-DNA position 5973, G replaced by C.
Protein change: p.Glu1991Asp; replaces glutamic acid 1991 with aspartic acid.
Molecular consequence: missense variant. On other transcripts: non-coding transcript variant (2).
Genome position (GRCh38, 1-based): chr5:112,841,567, G>C. VCF-style: chr5-112841567-G-C. GRCh37 (hg19) VCF-style: chr5-112177264-G-C.
Other names: c.5973G>C, p.Glu1991Asp (NM_001127510.3, NM_001354895.2, NM_001407450.1); c.5919G>C, p.Glu1973Asp (NM_001127511.3); c.6027G>C, p.Glu2009Asp (NM_001354896.2, NM_001407447.1, NM_001407448.1 and 1 more transcripts); c.6003G>C, p.Glu2001Asp (NM_001354897.2); c.5898G>C, p.Glu1966Asp (NM_001354898.2); c.5889G>C, p.Glu1963Asp (NM_001354899.2); c.5850G>C, p.Glu1950Asp (NM_001354900.2); c.5796G>C, p.Glu1932Asp (NM_001354901.2, NM_001407453.1); and 11 more; short protein forms E1708D, E1862D, E1950D, E1973D, E1991D, E2001D, E1607D, E1831D.
Identifiers: ClinVar variation 3928992 (VCV003928992.1).
Genomic context (GRCh38, chr5:112,841,567, plus strand): 5'-TCTCAGTGACATTGACCAAGAAAACAACAATAAAGAAAATGAACCTATCAAAGAGACTGA[G>C]CCCCCTGACTCACAGGGAGAACCAAGTAAACCTCAAGCATCAGGCTATGCTCCTAAATCA-3'
Protein context (NP_000029.2, residues 1981-2001): NKENEPIKET[Glu1991Asp]PPDSQGEPSK

ClinVar aggregate classification (germline): Uncertain significance (1 of 4 stars; one submission).

Conditions:
Hereditary cancer-predisposing syndrome. Also called: Hereditary Cancer Syndrome; Hereditary neoplastic syndrome; Neoplastic Syndromes, Hereditary; Tumor predisposition. Identifiers: Orphanet 140162, MedGen C0027672, MeSH D009386, MONDO:0015356.

Submission:

Ambry Genetics
Classification: Uncertain significance for Hereditary cancer-predisposing syndrome. Last evaluated: 2025-04-25. Review status: criteria provided, single submitter. Criteria: Ambry Variant Classification Scheme 2023. Collection method: clinical testing. Allele origin: germline.
Comment: The p.E1991D variant (also known as c.5973G>C), located in coding exon 15 of the APC gene, results from a G to C substitution at nucleotide position 5973. The glutamic acid at codon 1991 is replaced by aspartic acid, an amino acid with highly similar properties. This amino acid position is conserved. In addition, in silico predictors for this gene do not accurately predict pathogenicity. Based on the available evidence, the clinical significance of this variant remains unclear.